The following is an entry in ClinVar:

NM_001142616.3(EHBP1):c.1664A>T (p.Asp555Val)

Gene: EHBP1 (EH domain binding protein 1; plus strand). Cytogenetic location: 2p15.
Variant type: single nucleotide variant.
Coding change: c.1664A>T on transcript NM_001142616.3 (MANE Select); coding-DNA position 1664, A replaced by T.
Protein change: p.Asp555Val; replaces aspartic acid 555 with valine.
Molecular consequence: missense variant. On other transcripts: intron variant (2).
Genome position (GRCh38, 1-based): chr2:62,948,510, A>T. VCF-style: chr2-62948510-A-T. GRCh37 (hg19) VCF-style: chr2-63175645-A-T.
Other names: c.1769A>T, p.Asp590Val (NM_001354212.1, NM_001354213.1, NM_001354214.1 and 4 more transcripts); c.1664A>T, p.Asp555Val (NM_001354218.1, NM_001354219.2, NM_001354220.1 and 2 more transcripts); c.1575+194A>T (NM_001354221.2); c.1470+194A>T (NM_001354222.2); c.1769A>T (NM_015252.3); short protein forms D555V, D590V.
Identifiers: ClinVar variation 2650990 (VCV002650990.25), dbSNP rs77187983, ClinGen allele CA1681202.

ClinVar aggregate classification (germline): Likely benign. Review status: criteria provided, single submitter (1 of 4 stars). 2 submissions from 2 submitters: Likely benign (1). 1 of the submissions does not count toward it. Last evaluated 2024-07-01.

Conditions:
EHBP1-related disorder. Also called: EHBP1-related condition.

Allele frequency attached by ClinVar (database versions not stated): 1000 Genomes Project 30x 0.00312; 1000 Genomes Project 0.00319; ExAC 0.00381; ESP Exome Variant Server 0.00415; TOPMed 0.00488; gnomAD 0.00490; gnomAD exomes 0.00627.
gnomAD v4.1: 9,829 of 1,614,098 alleles (0.61%); highest among the groups gnomAD compares: Non-Finnish European, 0.73%; 37 homozygotes.

Submissions (2):

CeGaT Center for Human Genetics Tuebingen
Classification: Likely benign. Last evaluated: 2024-07-01. Review status: criteria provided, single submitter. Criteria: CeGaT Center For Human Genetics Tuebingen Variant Classification Criteria Version 2. Collection method: clinical testing. Allele origin: germline. Affected: yes. Observed: 3 variant alleles.
Comment: EHBP1: BS2

PreventionGenetics, part of Exact Sciences
Classification: Benign for EHBP1-related condition. Last evaluated: 2019-05-30. Review status: no assertion criteria provided. Collection method: clinical testing. Allele origin: germline. Not counted in ClinVar's aggregate classification.
Comment: This variant is classified as benign based on ACMG/AMP sequence variant interpretation guidelines (Richards et al. 2015 PMID: 25741868, with internal and published modifications).